The following is an entry in ClinVar:

NM_002474.3(MYH11):c.*631C>T

Genes: NDE1 (nudE neurodevelopment protein 1; plus strand), MYH11 (myosin heavy chain 11; minus strand). Cytogenetic location: 16p13.11.
Variant type: single nucleotide variant.
Coding change: c.*631C>T on transcript NM_002474.3 (MANE Select); 631 bases downstream of the stop codon, C replaced by T.
Molecular consequence: 3 prime UTR variant. On other transcripts: intron variant (2).
Genome position (GRCh38, 1-based): chr16:15,703,360, G>A on the plus strand (C>T on the coding strand, the complement: MYH11 is on the minus strand). VCF-style: chr16-15703360-G-A. GRCh37 (hg19) VCF-style: chr16-15797217-G-A.
Other names: c.*772C>T (NM_001040113.2, NM_022844.3); c.*631C>T (NM_001040114.2); c.947+6500G>A (NM_001143979.2, NM_017668.3).
Identifiers: ClinVar variation 887908 (VCV000887908.4), dbSNP rs112926446, ClinGen allele CA278582673.
Genomic context (GRCh38, chr16:15,703,360, plus strand): 5'-AGAGGGGGAAAGAATTCTCAAAGGCCTGACGTGAGAAGTTGGAAAGGTTTGCAGGTTAGG[G>A]AATGAATTGGGAGTGGGGGCCGGCGGCACCCATTTCGGTGACTTTCTCCCCATTTCATGT-3'

ClinVar aggregate classification (germline): Likely benign (1 of 4 stars; one submission).

Conditions:
Aortic aneurysm, familial thoracic 4 (AAT4). Also called: AORTIC ANEURYSM/AORTIC DISSECTION AND PATENT DUCTUS ARTERIOSUS. Identifiers: MedGen C1851504, MONDO:0007568, OMIM 132900.

Allele frequency attached by ClinVar (database versions not stated): 1000 Genomes Project 30x 0.00281; 1000 Genomes Project 0.00339; gnomAD 0.00623 and 0.00650; TOPMed 0.00625; gnomAD exomes 0.00796.
gnomAD v4.1: 1,607 of 236,244 alleles (0.68%); highest among the groups gnomAD compares: Non-Finnish European, 1.1%; 10 homozygotes.

Submission:

Illumina Laboratory Services, Illumina
Classification: Likely benign for Aortic aneurysm, familial thoracic 4. Last evaluated: 2018-01-13. Review status: criteria provided, single submitter. Criteria: ICSL Variant Classification Criteria 13 December 2019. Collection method: clinical testing. Allele origin: germline.
Comment: This variant was observed in the ICSL laboratory as part of a predisposition screen in an ostensibly healthy population. It had not been previously curated by ICSL or reported in the Human Gene Mutation Database (HGMD: prior to June 1st, 2018), and was therefore a candidate for classification through an automated scoring system. Utilizing variant allele frequency, disease prevalence and penetrance estimates, and inheritance mode, an automated score was calculated to assess if this variant is too frequent to cause the disease. Based on the score and internal cut-off values, a variant classified as likely benign is not then subjected to further curation. The score for this variant resulted in a classification of likely benign for this disease.